The following is an entry in ClinVar:

NM_000157.4(GBA1):c.115+1G>A

Gene: GBA1 (glucosylceramidase beta 1; minus strand). Cytogenetic location: 1q22.
Variant type: single nucleotide variant.
Coding change: c.115+1G>A on transcript NM_000157.4 (MANE Select); the canonical splice donor site of the intron after coding-DNA position 115, G replaced by A.
Molecular consequence: splice donor variant. On other transcripts: intron variant (1).
Genome position (GRCh38, 1-based): chr1:155,240,629, C>T on the plus strand (G>A on the coding strand, the complement: GBA1 is on the minus strand). VCF-style: chr1-155240629-C-T. GRCh37 (hg19) VCF-style: chr1-155210420-C-T.
Other names: IVS2DS+1G-A; IVS2DS, G-A, +1; c.115+1G>A (NM_001005742.2, NM_001005742.3, NM_001005741.3 and 1 more transcripts); c.-146-552G>A (NM_001171811.2).
Identifiers: ClinVar variation 93445 (VCV000093445.109), dbSNP rs104886460, ClinGen allele CA221383.

ClinVar aggregate classification (germline): Pathogenic/Likely pathogenic. Review status: criteria provided, multiple submitters, no conflicts (2 of 4 stars). 24 submissions from 22 submitters: Pathogenic (20); Likely pathogenic (1). 3 of the submissions do not count toward it. Last evaluated 2026-02-01.

Conditions:
GBA-related disorder. Also called: GBA-related disorders.
GBA1-related disorder. Also called: GBA1-related condition.
Young-onset Parkinson disease. Identifiers: Orphanet 2828, MedGen C4275179, MONDO:0017279.
Lewy body dementia (DLB). Also called: Lewy Body Disease. Identifiers: MedGen C0752347, MONDO:0007488, OMIM 127750.
Parkinson disease, late-onset (PD). Also called: Susceptibility to Parkinson's Disease; Hereditary late onset Parkinson disease; PARKINSON DISEASE, LATE-ONSET, SUSCEPTIBILITY TO. Identifiers: Orphanet 411602, MedGen C3160718, MONDO:0008199, OMIM 168600.
Gaucher disease type I (GD1). Also called: GAUCHER DISEASE, NONCEREBRAL JUVENILE; GBA DEFICIENCY; GD I; GLUCOCEREBROSIDASE DEFICIENCY; ACID BETA-GLUCOSIDASE DEFICIENCY; GD 1. Identifiers: Orphanet 355, Orphanet 77259, MedGen C1961835, MONDO:0009265, OMIM 230800.
Gaucher disease type II (GD2). Also called: GAUCHER DISEASE, ACUTE NEURONOPATHIC TYPE; GD II; Acute neuronopathic Gaucher's disease; Type 2 Gaucher disease (Acute; Infantile). Identifiers: Orphanet 77260, MedGen C0268250, MONDO:0009266, OMIM 230900.
Gaucher disease type III. Also called: GAUCHER DISEASE, CHRONIC NEURONOPATHIC TYPE; GAUCHER DISEASE, JUVENILE AND ADULT, CEREBRAL; GAUCHER DISEASE, SUBACUTE NEURONOPATHIC TYPE; GD III; Subacute neuronopathic Gaucher's disease; Type 3 Gaucher disease (Subacute; Juvenile). Identifiers: Orphanet 355, Orphanet 77261, MedGen C0268251, MONDO:0009267, OMIM 231000.
Gaucher disease-ophthalmoplegia-cardiovascular calcification syndrome. Also called: GAUCHER DISEASE, TYPE IIIC. Identifiers: Orphanet 2072, MedGen C1856476, MONDO:0009268, OMIM 231005.
Gaucher disease perinatal lethal. Also called: Gaucher disease collodion type; Gaucher Disease, Perinatal-Lethal Form. Identifiers: Orphanet 85212, MedGen C1842704, MONDO:0011945, OMIM 608013.
Gaucher disease. Also called: Acute cerebral Gaucher disease; Cerebroside lipidosis syndrome; Gaucher splenomegaly; Sphingolipidosis 1; Glucocerebrosidosis; Glucosylceramidase deficiency. Identifiers: Orphanet 355, MedGen C0017205, MONDO:0018150.

Allele frequency attached by ClinVar (database versions not stated): gnomAD 0.00006 and 0.00008; gnomAD exomes 0.00008; ExAC 0.00012; 1000 Genomes Project 0.00040; 1000 Genomes Project 30x 0.00047.
gnomAD v4.1: 126 of 1,613,000 alleles (0.0078%); highest among the groups gnomAD compares: Non-Finnish European, 0.0087%; no homozygotes.

Submissions 1 to 13 of 27:

CeGaT Center for Human Genetics Tuebingen
Classification: Pathogenic. Last evaluated: 2026-02-01. Review status: criteria provided, single submitter. Criteria: CeGaT Center For Human Genetics Tuebingen Variant Classification Criteria Version 2. Collection method: clinical testing. Allele origin: germline. Affected: yes. Observed: 5 variant alleles.
Comment: GBA1: PVS1, PS4:Moderate, PM2:Supporting

Labcorp Genetics (formerly Invitae), Labcorp
Classification: Pathogenic. Last evaluated: 2026-01-21. Review status: criteria provided, single submitter. Criteria: Invitae Variant Classification Sherloc (09022015). Collection method: clinical testing. Allele origin: germline.
Comment: This sequence change affects a donor splice site in intron 3 of the GBA gene. It is expected to disrupt RNA splicing. Variants that disrupt the donor or acceptor splice site typically lead to a loss of protein function (PMID: 16199547), and loss-of-function variants in GBA are known to be pathogenic (PMID: 9153297, 10079102, 10796875, 11783951). The frequency data for this variant in the population databases (gnomAD) is considered unreliable due to the presence of homologous sequence, such as pseudogenes or paralogs, in the genome. Disruption of this splice site has been observed in individuals with Gaucher disease and/or Parkinson disease (PMID: 20816920, 23430873, 25653295, 26117366, 27682613). This variant is also known as IVS2+1. ClinVar contains an entry for this variant (Variation ID: 93445). Algorithms developed to predict the effect of sequence changes on RNA splicing suggest that this variant may disrupt the consensus splice site. For these reasons, this variant has been classified as Pathogenic.

3billion
Classification: Pathogenic for GBA1-related disorder. Last evaluated: 2026-01-15. Review status: criteria provided, single submitter. Criteria: ACMG Guidelines, 2015. Collection method: clinical testing. Allele origin: germline. Affected: yes.
Comment: The variant is observed at an extremely low frequency in the gnomAD v4.1.0 dataset (total allele frequency: 0.008%). Predicted Consequence/Location: Canonical splice site: predicted to alter splicing and result in a loss or disruption of normal protein function. Multiple pathogenic loss-of-function variants are reported downstream of the variant. In silico tools predict the variant to alter splicing and produce an abnormal transcript [SpliceAI: 0.65 (spliceogenicity >=0.2, non-spliceogenicity <0.1)]. The variant has been reported at least twice as pathogenic with clinical assertions and evidence for the classification (ClinVar ID: VCV000093445 /PMID: 1558964 /3billion dataset). Therefore, this variant is classified as Pathogenic according to the recommendation of ACMG/AMP guideline.

Natera, Inc.
Classification: Pathogenic for Gaucher disease. Last evaluated: 2025-12-09. Review status: criteria provided, single submitter. Criteria: Natera Variant Classification Schema (03/2026). Collection method: clinical testing. Allele origin: germline.
Comment: The c.115+1G>A variant in GBA1 is a canonical splice donor site variant predicted to affect pre-mRNA splicing, which may result in an abnormal transcript and altered protein product. This variant is expected to result in nonsense mediated decay, truncation, or a dysfunctional protein product. This variant is rare in the general population with a frequency below the threshold expected for the associated phenotype(s). This variant has been observed in one or more individuals affected with the associated recessive disease, as either homozygous or compound heterozygous with a second variant (PMID: 22429443). Given the available evidence, this variant is classified as Pathogenic.

Revvity Omics, Revvity
Classification: Pathogenic. Last evaluated: 2025-03-19. Review status: criteria provided, single submitter. Criteria: ACMG Guidelines, 2015. Collection method: clinical testing. Allele origin: germline.

Blueprint Genetics
Classification: Pathogenic for GBA-related disorders. Last evaluated: 2024-10-16. Review status: criteria provided, single submitter. Criteria: ACMG Guidelines, 2015. Collection method: clinical testing. Allele origin: germline. Affected: yes. Observed: 5 variant alleles.

GeneDx
Classification: Pathogenic. Last evaluated: 2024-07-25. Review status: criteria provided, single submitter. Criteria: GeneDx Variant Classification Process June 2021. Collection method: clinical testing. Allele origin: germline. Affected: yes.
Comment: Canonical splice site variant predicted to result in a null allele in a gene for which loss of function is a known mechanism of disease; This variant is associated with the following publications: (PMID: 22975760, 20816920, 25653295, 25525159, 21228398, 1558964, 23430873, 21700325, 35861108, 33473340, 26689913, 26117366, 27682613, 31561936, 33176831, 36637080, 32191290, 33402667, 33301762, 34867278, 34930372, 35747619, 34308104, 35242582, 35845720, 37198191, 35639160, 36879366, 33972609, 32613234)

Mayo Clinic Laboratories, Mayo Clinic
Classification: Pathogenic. Last evaluated: 2023-09-06. Review status: criteria provided, single submitter. Criteria: ACMG Guidelines, 2015. Collection method: clinical testing. Allele origin: germline. Observed: 2 variant alleles.
Comment: PM3, PS4_moderate, PVS1

Clinical Genetics Laboratory, Skane University Hospital Lund
Classification: Pathogenic. Last evaluated: 2022-05-27. Review status: criteria provided, single submitter. Criteria: ACMG Guidelines, 2015. Collection method: clinical testing. Allele origin: germline. Affected: yes.

Equipe Genetique des Anomalies du Developpement, Université de Bourgogne
Classification: Pathogenic for Parkinson disease, late-onset. Last evaluated: 2021-10-18. Review status: criteria provided, single submitter. Criteria: ACMG Guidelines, 2015. Collection method: clinical testing. Allele origin: unknown. Affected: yes.

Fulgent Genetics
Classification: Pathogenic for Parkinson disease, late-onset. Last evaluated: 2021-05-03. Review status: criteria provided, single submitter. Criteria: ACMG Guidelines, 2015. Collection method: clinical testing. Allele origin: germline. Affected: yes.

AiLife Diagnostics
Classification: Pathogenic. Last evaluated: 2021-04-15. Review status: criteria provided, single submitter. Criteria: ACMG Guidelines, 2015. Collection method: clinical testing. Allele origin: germline. Affected: yes. Observed: 1 variant allele.

Cambridge Genomics Laboratory, East Genomic Laboratory Hub, NHS Genomic Medicine Service
Classification: Pathogenic for Young-onset Parkinson disease. Last evaluated: 2020-03-16. Review status: criteria provided, single submitter. Criteria: ACGS Best Practice Guidelines for Variant Classification in Rare Disease 2020. Collection method: clinical testing. Allele origin: germline. Affected: yes. Observed: 1 variant allele.